The following is an entry in ClinVar:

ClinVar aggregate classification (germline): Uncertain significance. Review status: criteria provided, multiple submitters, no conflicts (2 of 4 stars). 5 submissions from 5 submitters: Uncertain significance (5). Last evaluated 2025-02-28.

Conditions:
Megacystis-microcolon-intestinal hypoperistalsis syndrome 1. Identifiers: MedGen C5542316, MONDO:0100354, OMIM 249210.
Aortic aneurysm, familial thoracic 7 (AAT7). Also called: AORTIC DISSECTION, FAMILIAL, WITH OR WITHOUT AORTIC ANEURYSM. Identifiers: MedGen C3151077, MONDO:0013418, OMIM 613780.
Familial thoracic aortic aneurysm and aortic dissection (TAAD). Also called: Thoracic aortic aneurysms and dissections. Identifiers: Orphanet 91387, MedGen C4707243, MONDO:0019625.

Allele frequency attached by ClinVar (database versions not stated): gnomAD exomes 0.00001 and 0.00003; TOPMed 0.00002; ExAC 0.00003; gnomAD 0.00003.
gnomAD v4.1: 23 of 1,613,854 alleles (0.0014%); highest among the groups gnomAD compares: African/African-American, 0.008%; no homozygotes.

Submissions (5):

Labcorp Genetics (formerly Invitae), Labcorp
Classification: Uncertain significance for Aortic aneurysm, familial thoracic 7. Last evaluated: 2025-02-28. Review status: criteria provided, single submitter. Criteria: Invitae Variant Classification Sherloc (09022015). Collection method: clinical testing. Allele origin: germline.
Comment: This sequence change replaces valine, which is neutral and non-polar, with methionine, which is neutral and non-polar, at codon 1582 of the MYLK protein (p.Val1582Met). This variant is present in population databases (rs755510742, gnomAD 0.01%). This variant has not been reported in the literature in individuals affected with MYLK-related conditions. ClinVar contains an entry for this variant (Variation ID: 520012). Invitae Evidence Modeling of protein sequence and biophysical properties (such as structural, functional, and spatial information, amino acid conservation, physicochemical variation, residue mobility, and thermodynamic stability) indicates that this missense variant is not expected to disrupt MYLK protein function with a negative predictive value of 80%. In summary, the available evidence is currently insufficient to determine the role of this variant in disease. Therefore, it has been classified as a Variant of Uncertain Significance.

Ambry Genetics
Classification: Uncertain significance for Familial thoracic aortic aneurysm and aortic dissection. Last evaluated: 2024-05-02. Review status: criteria provided, single submitter. Criteria: Ambry Variant Classification Scheme 2023. Collection method: clinical testing. Allele origin: germline.
Comment: The p.V1582M variant (also known as c.4744G>A), located in coding exon 25 of the MYLK gene, results from a G to A substitution at nucleotide position 4744. The valine at codon 1582 is replaced by methionine, an amino acid with highly similar properties. This amino acid position is highly conserved in available vertebrate species. In addition, the in silico prediction for this alteration is inconclusive. Based on the available evidence, the clinical significance of this variant remains unclear.

Department of Pathology and Laboratory Medicine, Sinai Health System
Classification: Uncertain significance for Megacystis-microcolon-intestinal hypoperistalsis syndrome 1; Aortic aneurysm, familial thoracic 7. Last evaluated: 2022-04-22. Review status: criteria provided, single submitter. Criteria: ACMG Guidelines, 2015. Collection method: research. Allele origin: germline.

Center for Genomics, Ann and Robert H. Lurie Children's Hospital of Chicago
Classification: Uncertain significance for Aortic aneurysm, familial thoracic 7. Last evaluated: 2021-04-06. Review status: criteria provided, single submitter. Criteria: ACMG Guidelines, 2015. Collection method: clinical testing. Allele origin: germline.
Comment: MYLK NM_053025.3 exon 28 p.Val1582Met (c.4744G>A): This variant has not been reported in the literature but is present in 0.007% (3/41358) of African American alleles in the Genome Aggregation Database). This variant is present in ClinVar (Variation ID:520012). Evolutionary conservation and computational predictive tools suggest that this variant may impact the protein. In summary, data on this variant is insufficient for disease classification. Therefore, the clinical significance of this variant is uncertain.

Illumina Laboratory Services, Illumina
Classification: Uncertain significance for Aortic aneurysm, familial thoracic 7. Last evaluated: 2018-01-12. Review status: criteria provided, single submitter. Criteria: ICSL Variant Classification Criteria 13 December 2019. Collection method: clinical testing. Allele origin: germline.

NM_053025.4(MYLK):c.4744G>A (p.Val1582Met)

Gene: MYLK (myosin light chain kinase; minus strand). Cytogenetic location: 3q21.1.
Variant type: single nucleotide variant.
Coding change: c.4744G>A on transcript NM_053025.4 (MANE Select); coding-DNA position 4744, G replaced by A.
Protein change: p.Val1582Met; replaces valine 1582 with methionine.
Molecular consequence: missense variant.
Genome position (GRCh38, 1-based): chr3:123,640,380, C>T on the plus strand (G>A on the coding strand, the complement: MYLK is on the minus strand). VCF-style: chr3-123640380-C-T. GRCh37 (hg19) VCF-style: chr3-123359227-C-T.
Other names: c.4216G>A, p.Val1406Met (NM_001321309.2); c.4537G>A, p.Val1513Met (NM_053026.4, NM_053028.4); c.4744G>A, p.Val1582Met (NM_053027.4); short protein forms V1582M, V1513M, V1406M.
Identifiers: ClinVar variation 520012 (VCV000520012.15), dbSNP rs755510742, ClinGen allele CA072021.
Genomic context (GRCh38, chr3:123,640,380, plus strand): 5'-TGATCCTGGTGCCCGTCTTGTTGACACACATGATGTTCTCCGGCTTGAGGTCCAGGTGCA[C>T]GATGCCCTGCTTGTGGATGTACTCCACTCCCTCCGAGATCTGCCGCATGTACTTGATGCA-3'
Protein context (NP_444253.3, residues 1572-1592): GVEYIHKQGI[Val1582Met]HLDLKPENIM